The following is an entry in ClinVar:

ClinVar aggregate classification (germline): Uncertain significance (1 of 4 stars; one submission).

Allele frequency attached by ClinVar (database versions not stated): gnomAD exomes below 0.00001.
gnomAD v4.1: 1 of 1,613,940 alleles (0.000062%); highest among the groups gnomAD compares: Non-Finnish European, 0.000085%; no homozygotes.

Submission:

Women's Health and Genetics/Laboratory Corporation of America, LabCorp
Classification: Uncertain significance. Last evaluated: 2024-03-26. Review status: criteria provided, single submitter. Criteria: LabCorp Variant Classification Summary - May 2015. Collection method: clinical testing. Allele origin: germline.
Comment: Variant summary: MAPRE2 c.295A>G (p.Ile99Val) results in a conservative amino acid change located in the Calponin homology domain (IPR001715) of the encoded protein sequence. Four of five in-silico tools predict a benign effect of the variant on protein function. The variant was absent in 250744 control chromosomes (gnomAD). The available data on variant occurrences in the general population are insufficient to allow any conclusion about variant significance. To our knowledge, no occurrence of c.295A>G in individuals affected with Symmetric Circumferential Skin Creases, Congenital, 2 and no experimental evidence demonstrating its impact on protein function have been reported. No submitters have cited clinical-significance assessments for this variant to ClinVar. Based on the evidence outlined above, the variant was classified as uncertain significance.

NM_014268.4(MAPRE2):c.295A>G (p.Ile99Val)

Gene: MAPRE2 (microtubule associated protein RP/EB family member 2; plus strand). Cytogenetic location: 18q12.1.
Variant type: single nucleotide variant.
Coding change: c.295A>G on transcript NM_014268.4 (MANE Select); coding-DNA position 295, A replaced by G.
Protein change: p.Ile99Val; replaces isoleucine 99 with valine.
Molecular consequence: missense variant. On other transcripts: non-coding transcript variant (1).
Genome position (GRCh38, 1-based): chr18:35,097,490, A>G. VCF-style: chr18-35097490-A-G. GRCh37 (hg19) VCF-style: chr18-32677454-A-G.
Other names: c.166A>G, p.Ile56Val (NM_001143826.3); c.259A>G, p.Ile87Val (NM_001143827.3); c.136A>G, p.Ile46Val (NM_001256420.2); short protein forms I46V, I56V, I87V, I99V.
Identifiers: ClinVar variation 3233757 (VCV003233757.2), dbSNP rs2523904415, ClinGen allele CA402276303.